The following is an entry in ClinVar:

ClinVar aggregate classification (germline): Uncertain significance. Review status: criteria provided, multiple submitters, no conflicts (2 of 4 stars). 2 submissions from 2 submitters: Uncertain significance (2). Last evaluated 2024-04-08.

Conditions:
Inborn genetic diseases. Identifiers: MedGen C0950123, MeSH D030342.

Allele frequency attached by ClinVar (database versions not stated): TOPMed 0.00035; ESP Exome Variant Server 0.00048; 1000 Genomes Project 0.00060; 1000 Genomes Project 30x 0.00062.
gnomAD v4.1: 178 of 1,593,618 alleles (0.011%); highest among the groups gnomAD compares: African/African-American, 0.12%; 1 homozygote.

Submissions (2):

Ambry Genetics
Classification: Uncertain significance for Inborn genetic diseases. Last evaluated: 2024-04-08. Review status: criteria provided, single submitter. Criteria: Ambry Variant Classification Scheme 2023. Collection method: clinical testing. Allele origin: germline.

Labcorp Genetics (formerly Invitae), Labcorp
Classification: Uncertain significance. Last evaluated: 2022-11-02. Review status: criteria provided, single submitter. Criteria: Invitae Variant Classification Sherloc (09022015). Collection method: clinical testing. Allele origin: germline.
Comment: This sequence change replaces arginine, which is basic and polar, with cysteine, which is neutral and slightly polar, at codon 844 of the TONSL protein (p.Arg844Cys). This variant is present in population databases (rs200813129, gnomAD 0.1%). This variant has not been reported in the literature in individuals affected with TONSL-related conditions. Advanced modeling of protein sequence and biophysical properties (such as structural, functional, and spatial information, amino acid conservation, physicochemical variation, residue mobility, and thermodynamic stability) performed at Invitae indicates that this missense variant is not expected to disrupt TONSL protein function. In summary, the available evidence is currently insufficient to determine the role of this variant in disease. Therefore, it has been classified as a Variant of Uncertain Significance.

NM_013432.5(TONSL):c.2530C>T (p.Arg844Cys)

Genes: TONSL (tonsoku like, DNA repair protein; minus strand), TONSL-AS1 (TONSL antisense RNA 1; plus strand). Cytogenetic location: 8q24.3.
Variant type: single nucleotide variant.
Coding change: c.2530C>T on transcript NM_013432.5 (MANE Select); coding-DNA position 2530, C replaced by T.
Protein change: p.Arg844Cys; replaces arginine 844 with cysteine.
Molecular consequence: missense variant.
Genome position (GRCh38, 1-based): chr8:144,435,903, G>A on the plus strand (C>T on the coding strand, the complement: TONSL is on the minus strand). VCF-style: chr8-144435903-G-A. GRCh37 (hg19) VCF-style: chr8-145661286-G-A.
Other names: short protein forms R844C.
Identifiers: ClinVar variation 2042815 (VCV002042815.3), dbSNP rs200813129, ClinGen allele CA4942797.